The following is an entry in ClinVar:

ClinVar aggregate classification (germline): Uncertain significance (1 of 4 stars; one submission).

Conditions:
Intellectual developmental disorder, autosomal dominant 1. Also called: MBD5 Haploinsufficiency; Intellectual disability, autosomal dominant 1. Identifiers: Orphanet 228402, MedGen C1969562, MONDO:0007974, OMIM 156200.

Submission:

Labcorp Genetics (formerly Invitae), Labcorp
Classification: Uncertain significance for Intellectual developmental disorder, autosomal dominant 1. Last evaluated: 2017-06-02. Review status: criteria provided, single submitter. Criteria: Invitae Variant Classification Sherloc (09022015). Collection method: clinical testing. Allele origin: germline.
Comment: In summary, this variant has uncertain impact on MBD5 function. The available evidence is currently insufficient to determine its role in disease. Therefore, it has been classified as a Variant of Uncertain Significance. Algorithms developed to predict the effect of missense changes on protein structure and function do not agree on the potential impact of this missense change (SIFT: "Deleterious"; PolyPhen-2: "Possibly Damaging"; Align-GVGD: "Class C0"). This variant has not been reported in the literature in individuals with an MBD5-related disease. This variant is not present in population databases (ExAC no frequency). This sequence change replaces isoleucine with methionine at codon 107 of the MBD5 protein (p.Ile107Met). The isoleucine residue is highly conserved and there is a small physicochemical difference between isoleucine and methionine.

NM_001378120.1(MBD5):c.321T>G (p.Ile107Met)

Gene: MBD5 (methyl-CpG binding domain protein 5; plus strand). Cytogenetic location: 2q23.1.
Variant type: single nucleotide variant.
Coding change: c.321T>G on transcript NM_001378120.1 (MANE Select); coding-DNA position 321, T replaced by G.
Protein change: p.Ile107Met; replaces isoleucine 107 with methionine.
Molecular consequence: missense variant.
Genome position (GRCh38, 1-based): chr2:148,463,843, T>G. VCF-style: chr2-148463843-T-G. GRCh37 (hg19) VCF-style: chr2-149221412-T-G.
Other names: c.321T>G, p.Ile107Met (NM_018328.5); short protein forms I107M.
Identifiers: ClinVar variation 468780 (VCV000468780.9), dbSNP rs1553517962, ClinGen allele CA348716549.